The following is an entry in ClinVar:

NM_000404.4(GLB1):c.1901G>A (p.Cys634Tyr)

Gene: GLB1 (galactosidase beta 1; minus strand). Cytogenetic location: 3p22.3.
Variant type: single nucleotide variant.
Coding change: c.1901G>A on transcript NM_000404.4 (MANE Select); coding-DNA position 1901, G replaced by A.
Protein change: p.Cys634Tyr; replaces cysteine 634 with tyrosine.
Molecular consequence: missense variant. On other transcripts: intron variant (1).
Genome position (GRCh38, 1-based): chr3:32,997,178, C>T on the plus strand (G>A on the coding strand, the complement: GLB1 is on the minus strand). VCF-style: chr3-32997178-C-T. GRCh37 (hg19) VCF-style: chr3-33038670-C-T.
Other names: c.1811G>A, p.Cys604Tyr (NM_001079811.3); c.1508G>A, p.Cys503Tyr (NM_001135602.3); c.2045G>A, p.Cys682Tyr (NM_001317040.2); c.1734+16878G>A (NM_001393580.1); short protein forms C503Y, C604Y, C634Y, C682Y.
Identifiers: ClinVar variation 3375047 (VCV003375047.2).

ClinVar aggregate classification (germline): Uncertain significance. Review status: criteria provided, multiple submitters, no conflicts (2 of 4 stars). 2 submissions from 2 submitters: Uncertain significance (2). Last evaluated 2026-03-12.

Conditions:
GLB1-related disorder. Also called: GLB1-related disorders. Identifiers: MedGen CN377807.

gnomAD v4.1: 18 of 1,614,158 alleles (0.0011%); highest among the groups gnomAD compares: Non-Finnish European, 0.0015%; no homozygotes.

Submissions (2):

Myriad Genetics, Inc.
Classification: Uncertain significance for GLB1-related disorder. Last evaluated: 2026-03-12. Review status: criteria provided, single submitter. Criteria: Myriad Autosomal Dominant, Autosomal Recessive and X-Linked Classification Criteria (2023). Collection method: clinical testing. Allele origin: unknown.
Comment: NM_000404.2(GLB1):c.1901G>A(C634Y) is a missense variant classified as a variant of uncertain significance in the context of GLB1-related disorders. C634Y has been observed in cases with relevant disease (PMID: 33737400, 37381921). Relevant functional assessments of this variant are not available in the literature. C634Y has not been observed in referenced population frequency databases. In summary, there is insufficient evidence to classify NM_000404.2(GLB1):c.1901G>A(C634Y) as pathogenic or benign. Please note: this variant was assessed in the context of healthy population screening.

Women's Health and Genetics/Laboratory Corporation of America, LabCorp
Classification: Uncertain significance. Last evaluated: 2024-09-04. Review status: criteria provided, single submitter. Criteria: LabCorp Variant Classification Summary - May 2015. Collection method: clinical testing. Allele origin: germline.
Comment: Variant summary: GLB1 c.1901G>A (p.Cys634Tyr) results in a non-conservative amino acid change in the encoded protein sequence. Three of five in-silico tools predict a damaging effect of the variant on protein function. The variant was absent in 249556 control chromosomes. The available data on variant occurrences in the general population are insufficient to allow any conclusion about variant significance. c.1901G>A has been reported in the literature in compound heterozygous individual(s) affected with Mucopolysaccharidosis Type IVB (Morquio Syndrome B) (Tebani_2022, Laur_2023). These report(s) do not provide unequivocal conclusions about association of the variant with Mucopolysaccharidosis Type IVB (Morquio Syndrome B). To our knowledge, no experimental evidence demonstrating an impact on protein function has been reported. The following publications have been ascertained in the context of this evaluation (PMID: 37381921, 33737400). No submitters have cited clinical-significance assessments for this variant to ClinVar. Based on the evidence outlined above, the variant was classified as uncertain significance.

Literature cited by the submitters: PubMed 33737400 (cited by Myriad Genetics, Inc. and Women's Health and Genetics/Laboratory Corporation of America, LabCorp); PubMed 37381921 (cited by Myriad Genetics, Inc. and Women's Health and Genetics/Laboratory Corporation of America, LabCorp).